The following is an entry in ClinVar:

ClinVar aggregate classification (germline): Likely benign (1 of 4 stars; one submission).

Submission:

CeGaT Center for Human Genetics Tuebingen
Classification: Likely benign. Last evaluated: 2022-08-01. Review status: criteria provided, single submitter. Criteria: CeGaT Center For Human Genetics Tuebingen Variant Classification Criteria Version 2. Collection method: clinical testing. Allele origin: germline. Affected: yes. Observed: 1 variant allele.
Comment: RELN: PM2:Supporting, BP4, BP7

NM_005045.4(RELN):c.2493T>C (p.Asp831=)

Gene: RELN (reelin; minus strand). Cytogenetic location: 7q22.1.
Variant type: single nucleotide variant.
Coding change: c.2493T>C on transcript NM_005045.4 (MANE Select); coding-DNA position 2493, T replaced by C.
Protein change: p.Asp831=; no amino-acid change (aspartic acid 831 retained).
Molecular consequence: synonymous variant.
Genome position (GRCh38, 1-based): chr7:103,630,149, A>G on the plus strand (T>C on the coding strand, the complement: RELN is on the minus strand). VCF-style: chr7-103630149-A-G. GRCh37 (hg19) VCF-style: chr7-103270596-A-G.
Other names: c.2493T>C, p.Asp831= (NM_173054.3).
Identifiers: ClinVar variation 2657902 (VCV002657902.24), dbSNP rs1832419655, ClinGen allele CA457025712.